The following is an entry in ClinVar:

ClinVar aggregate classification (germline): Uncertain significance. Review status: criteria provided, multiple submitters, no conflicts (2 of 4 stars). 2 submissions from 2 submitters: Uncertain significance (2). Last evaluated 2024-05-18.

Conditions:
Joubert syndrome 5 (JBTS5). Identifiers: Orphanet 2318, MedGen C1857780, MONDO:0012432, OMIM 610188.
Senior-Loken syndrome 6 (SLSN6). Identifiers: Orphanet 3156, MedGen C1857779, MONDO:0012433, OMIM 610189.
Bardet-Biedl syndrome 14 (BBS14). Identifiers: Orphanet 110, MedGen C2673874, MONDO:0014442, OMIM 615991.
Leber congenital amaurosis 10 (LCA10). Identifiers: Orphanet 65, MedGen C1857821, MONDO:0012723, OMIM 611755.
Meckel syndrome, type 4 (MKS4). Also called: MECKEL-GRUBER SYNDROME, TYPE 4. Identifiers: Orphanet 564, MedGen C1970161, MONDO:0012626, OMIM 611134.
Joubert syndrome. Also called: CEREBELLOPARENCHYMAL DISORDER IV; JOUBERT-BOLTSHAUSER SYNDROME; Familial aplasia of the vermis. Identifiers: Orphanet 475, MedGen C5979921, MONDO:0018772.
Meckel-Gruber syndrome. Also called: DYSENCEPHALIA SPLANCHNOCYSTICA; GRUBER SYNDROME; Dysencephalia splachnocystica. Identifiers: Orphanet 564, MedGen C0265215, MONDO:0018921.
Nephronophthisis. Also called: Juvenile Nephronophthisis. Identifiers: Orphanet 655, MedGen C0687120, MONDO:0019005, HP:0000090.

Allele frequency attached by ClinVar (database versions not stated): gnomAD 0.00001; TOPMed 0.00002.
gnomAD v4.1: 12 of 1,591,928 alleles (0.00075%); highest among the groups gnomAD compares: East Asian, 0.0092%; no homozygotes.

Submissions (2):

Fulgent Genetics
Classification: Uncertain significance for Joubert syndrome 5; Senior-Loken syndrome 6; Meckel syndrome, type 4; Leber congenital amaurosis 10; Bardet-Biedl syndrome 14. Last evaluated: 2024-05-18. Review status: criteria provided, single submitter. Criteria: ACMG Guidelines, 2015. Collection method: clinical testing. Allele origin: germline.

Labcorp Genetics (formerly Invitae), Labcorp
Classification: Uncertain significance for Joubert syndrome; Meckel-Gruber syndrome; Nephronophthisis. Last evaluated: 2022-08-07. Review status: criteria provided, single submitter. Criteria: Invitae Variant Classification Sherloc (09022015). Collection method: clinical testing. Allele origin: germline.
Comment: This sequence change replaces arginine, which is basic and polar, with glutamine, which is neutral and polar, at codon 1782 of the CEP290 protein (p.Arg1782Gln). The frequency data for this variant in the population databases is considered unreliable, as metrics indicate poor data quality at this position in the gnomAD database. This variant has not been reported in the literature in individuals affected with CEP290-related conditions. Algorithms developed to predict the effect of missense changes on protein structure and function output the following: SIFT: "Deleterious"; PolyPhen-2: "Benign"; Align-GVGD: "Class C0". The glutamine amino acid residue is found in multiple mammalian species, which suggests that this missense change does not adversely affect protein function. In summary, the available evidence is currently insufficient to determine the role of this variant in disease. Therefore, it has been classified as a Variant of Uncertain Significance.

NM_025114.4(CEP290):c.5345G>A (p.Arg1782Gln)

Gene: CEP290 (centrosomal protein 290; minus strand). Cytogenetic location: 12q21.32.
Variant type: single nucleotide variant.
Coding change: c.5345G>A on transcript NM_025114.4 (MANE Select); coding-DNA position 5345, G replaced by A.
Protein change: p.Arg1782Gln; replaces arginine 1782 with glutamine.
Molecular consequence: missense variant.
Genome position (GRCh38, 1-based): chr12:88,079,111, C>T on the plus strand (G>A on the coding strand, the complement: CEP290 is on the minus strand). VCF-style: chr12-88079111-C-T. GRCh37 (hg19) VCF-style: chr12-88472888-C-T.
Other names: short protein forms R1782Q.
Identifiers: ClinVar variation 1956579 (VCV001956579.3), dbSNP rs1044256302, ClinGen allele CA241154043.
Genomic context (GRCh38, chr12:88,079,111, plus strand): 5'-TTATCAGAAATTTTGTTACATTAACACGTGTTGATGTTCACCTTTAGCTCTCTAGTATGT[C>T]GATCAACGATTTGTTGAACATTGAGATGGGCCTCTTTTTGAGAAGTTGCAGAAATAATAC-3'
Protein context (NP_079390.3, residues 1772-1792): AHLNVQQIVD[Arg1782Gln]HTRELKTQVE